The following is an entry in ClinVar:

NM_005475.3(SH2B3):c.691G>A (p.Asp231Asn)

Gene: SH2B3 (SH2B adaptor protein 3; plus strand). Cytogenetic location: 12q24.12.
Variant type: single nucleotide variant.
Coding change: c.691G>A on transcript NM_005475.3 (MANE Select); coding-DNA position 691, G replaced by A.
Protein change: p.Asp231Asn; replaces aspartic acid 231 with asparagine.
Molecular consequence: missense variant.
Genome position (GRCh38, 1-based): chr12:111,418,836, G>A. VCF-style: chr12-111418836-G-A. GRCh37 (hg19) VCF-style: chr12-111856640-G-A.
Other names: short protein forms D231N.
Identifiers: ClinVar variation 2510462 (VCV002510462.5), dbSNP rs899111445, ClinGen allele CA243602959.

ClinVar aggregate classification (germline): Uncertain significance. Review status: criteria provided, multiple submitters, no conflicts (2 of 4 stars). 2 submissions from 2 submitters: Uncertain significance (2). Last evaluated 2026-09-16.

Conditions:
Inborn genetic diseases. Identifiers: MedGen C0950123, MeSH D030342.
Myeloproliferative neoplasm. Identifiers: Orphanet 98274, MedGen C1292778, MONDO:0020076.

gnomAD v4.1: 63 of 1,420,158 alleles (0.0044%); highest among the groups gnomAD compares: Middle Eastern, 0.1%; no homozygotes.

Submissions (2):

Dept of Medical Biology, Uskudar University
Classification: Uncertain significance for Myeloproliferative neoplasm. Last evaluated: 2026-09-16. Review status: criteria provided, single submitter. Criteria: Dept of Medical Biology Variant Classification. Collection method: research. Allele origin: unknown. Affected: yes. Observed: 2 variant alleles.
Comment: PM2_supporting: rare in gnomAD v4.1 (allele frequency 3.6e-05 in exomes, 1.1e-04 in genomes). BP4: computational evidence suggests no impact (SIFT 0.06 tolerated; PolyPhen-2 0.326 benign). Detected in two patients. Classified as uncertain significance under the ACMG/AMP 2015 guidelines (PMID:25741868). Detected in a retrospective series of 256 BCR::ABL1-negative and JAK2 V617F-negative patients referred for molecular investigation of a suspected myeloproliferative neoplasm (May 2007 to January 2015) and re-interpreted under the ACMG/AMP 2015 criteria.

Ambry Genetics
Classification: Uncertain significance for Inborn genetic diseases. Last evaluated: 2025-06-22. Review status: criteria provided, single submitter. Criteria: Ambry Variant Classification Scheme 2023. Collection method: clinical testing. Allele origin: germline.